The following is an entry in ClinVar:

NM_020779.4(WDR35):c.2828C>T (p.Ala943Val)

Gene: WDR35 (WD repeat domain 35; minus strand). Cytogenetic location: 2p24.1.
Variant type: single nucleotide variant.
Coding change: c.2828C>T on transcript NM_020779.4 (MANE Select); coding-DNA position 2828, C replaced by T.
Protein change: p.Ala943Val; replaces alanine 943 with valine.
Molecular consequence: missense variant.
Genome position (GRCh38, 1-based): chr2:19,931,405, G>A on the plus strand (C>T on the coding strand, the complement: WDR35 is on the minus strand). VCF-style: chr2-19931405-G-A. GRCh37 (hg19) VCF-style: chr2-20131166-G-A.
Other names: c.2861C>T, p.Ala954Val (NM_001006657.2); short protein forms A943V, A954V.
Identifiers: ClinVar variation 3357298 (VCV003357298.3).

ClinVar aggregate classification (germline): Uncertain significance. Review status: criteria provided, multiple submitters, no conflicts (2 of 4 stars). 3 submissions from 3 submitters: Uncertain significance (2). 1 of the submissions does not count toward it. Last evaluated 2024-08-23.

Conditions:
Cranioectodermal dysplasia 2 (CED2). Identifiers: Orphanet 1515, MedGen C3150874, MONDO:0013323, OMIM 613610.
Short-rib thoracic dysplasia 7 with or without polydactyly (SRTD7). Also called: Short rib polydactyly syndrome 5; SHORT-RIB THORACIC DYSPLASIA 7 WITH POLYDACTYLY. Identifiers: Orphanet 498497, Orphanet 93271, MedGen C3279792, MONDO:0013569, OMIM 614091.
WDR35-related disorder. Also called: WDR35-related disorders; WDR35-related condition. Identifiers: MedGen CN239419.

gnomAD v4.1: 27 of 1,612,884 alleles (0.0017%); highest among the groups gnomAD compares: Admixed American, 0.015%; no homozygotes.

Submissions (3):

GeneDx
Classification: Uncertain significance. Last evaluated: 2024-08-23. Review status: criteria provided, single submitter. Criteria: GeneDx Variant Classification Process June 2021. Collection method: clinical testing. Allele origin: germline. Affected: yes.
Comment: In silico analysis supports that this missense variant has a deleterious effect on protein structure/function; Has not been previously published as pathogenic or benign to our knowledge

Fulgent Genetics
Classification: Uncertain significance for Cranioectodermal dysplasia 2; Short-rib thoracic dysplasia 7 with or without polydactyly. Last evaluated: 2024-04-02. Review status: criteria provided, single submitter. Criteria: ACMG Guidelines, 2015. Collection method: clinical testing. Allele origin: germline.

PreventionGenetics, part of Exact Sciences
Classification: Uncertain significance for WDR35-related condition. Last evaluated: 2024-06-28. Review status: no assertion criteria provided. Collection method: clinical testing. Allele origin: germline. Not counted in ClinVar's aggregate classification.
Comment: The WDR35 c.2861C>T variant is predicted to result in the amino acid substitution p.Ala954Val. To our knowledge, this variant has not been reported in the literature. This variant is reported in 0.020% of alleles in individuals of Latino descent in gnomAD. At this time, the clinical significance of this variant is uncertain due to the absence of conclusive functional and genetic evidence.